The following is an entry in ClinVar:

NM_019892.6(INPP5E):c.1034+120A>G

Gene: INPP5E (inositol polyphosphate-5-phosphatase E; minus strand). Cytogenetic location: 9q34.3.
Variant type: single nucleotide variant.
Coding change: c.1034+120A>G on transcript NM_019892.6 (MANE Select); 120 bases into the intron after coding-DNA position 1034, A replaced by G.
Molecular consequence: intron variant.
Genome position (GRCh38, 1-based): chr9:136,433,917, T>C on the plus strand (A>G on the coding strand, the complement: INPP5E is on the minus strand). VCF-style: chr9-136433917-T-C. GRCh37 (hg19) VCF-style: chr9-139328369-T-C.
Other names: c.1034+120A>G (NM_001318502.2).
Identifiers: ClinVar variation 675037 (VCV000675037.1), dbSNP rs10781543, ClinGen allele CA13138053.

ClinVar aggregate classification (germline): Benign (1 of 4 stars; one submission).

Allele frequency attached by ClinVar (database versions not stated): 1000 Genomes Project 0.41234; gnomAD 0.41344 and 0.41467; gnomAD exomes 0.41702; TOPMed 0.42537.

Submission:

GeneDx
Classification: Benign. Last evaluated: 2018-06-14. Review status: criteria provided, single submitter. Criteria: GeneDx Variant Classification (06012015). Collection method: clinical testing. Allele origin: germline. Affected: yes.
Comment: This variant is considered likely benign or benign based on one or more of the following criteria: it is a conservative change, it occurs at a poorly conserved position in the protein, it is predicted to be benign by multiple in silico algorithms, and/or has population frequency not consistent with disease.